The following is an entry in ClinVar:

NM_033004.4(NLRP1):c.4157G>A (p.Arg1386Gln)

Gene: NLRP1 (NLR family pyrin domain containing 1; minus strand). Cytogenetic location: 17p13.2.
Variant type: single nucleotide variant.
Coding change: c.4157G>A on transcript NM_033004.4 (MANE Select); coding-DNA position 4157, G replaced by A.
Protein change: p.Arg1386Gln; replaces arginine 1386 with glutamine.
Molecular consequence: missense variant. On other transcripts: intron variant (1).
Genome position (GRCh38, 1-based): chr17:5,515,019, C>T on the plus strand (G>A on the coding strand, the complement: NLRP1 is on the minus strand). VCF-style: chr17-5515019-C-T. GRCh37 (hg19) VCF-style: chr17-5418339-C-T.
Other names: c.4025G>A, p.Arg1342Gln (NM_014922.5); c.4067G>A, p.Arg1356Gln (NM_033006.4); c.3935G>A, p.Arg1312Gln (NM_033007.4); c.4069+2727G>A (NM_001033053.3); short protein forms R1312Q, R1342Q, R1356Q, R1386Q.
Identifiers: ClinVar variation 2482800 (VCV002482800.7), dbSNP rs777520241, ClinGen allele CA8326618.
Genomic context (GRCh38, chr17:5,515,019, plus strand): 5'-TGTCCATGCAGTTTGTCCAAGACAACCTCCACCGATGTCACTCGGGCTATCAGCTGCTCT[C>T]GATACTGGTCCACAAAGTGCAGCAACTGCGGGGCATCCAGAGGTGAAGGTACGGCTGGCA-3'
Protein context (NP_127497.1, residues 1376-1396): PQLLHFVDQY[Arg1386Gln]EQLIARVTSV

ClinVar aggregate classification (germline): Uncertain significance. Review status: criteria provided, multiple submitters, no conflicts (2 of 4 stars). 3 submissions from 3 submitters: Uncertain significance (2). 1 of the submissions does not count toward it. Last evaluated 2025-11-24.

Conditions:
Inborn genetic diseases. Identifiers: MedGen C0950123, MeSH D030342.
NLRP1-related disorder. Also called: NLRP1-related condition.

Allele frequency attached by ClinVar (database versions not stated): gnomAD exomes 0.00001; ExAC 0.00002; TOPMed 0.00001.
gnomAD v4.1: 12 of 1,614,162 alleles (0.00074%); highest among the groups gnomAD compares: South Asian, 0.0033%; no homozygotes.

Submissions (3):

Labcorp Genetics (formerly Invitae), Labcorp
Classification: Uncertain significance. Last evaluated: 2025-11-24. Review status: criteria provided, single submitter. Criteria: Invitae Variant Classification Sherloc (09022015). Collection method: clinical testing. Allele origin: germline.
Comment: This sequence change replaces arginine, which is basic and polar, with glutamine, which is neutral and polar, at codon 1386 of the NLRP1 protein (p.Arg1386Gln). This variant is present in population databases (rs777520241, gnomAD 0.01%). This variant has not been reported in the literature in individuals affected with NLRP1-related conditions. ClinVar contains an entry for this variant (Variation ID: 2482800). An algorithm developed to predict the effect of missense changes on protein structure and function outputs the following: PolyPhen-2: "Probably Damaging". The glutamine amino acid residue is found in multiple mammalian species, which suggests that this missense change does not adversely affect protein function. In summary, the available evidence is currently insufficient to determine the role of this variant in disease. Therefore, it has been classified as a Variant of Uncertain Significance.

Ambry Genetics
Classification: Uncertain significance for Inborn genetic diseases. Last evaluated: 2023-02-10. Review status: criteria provided, single submitter. Criteria: Ambry Variant Classification Scheme 2023. Collection method: clinical testing. Allele origin: germline.

PreventionGenetics, part of Exact Sciences
Classification: Uncertain significance for NLRP1-related condition. Last evaluated: 2023-10-19. Review status: no assertion criteria provided. Collection method: clinical testing. Allele origin: germline. Not counted in ClinVar's aggregate classification.
Comment: The NLRP1 c.4157G>A variant is predicted to result in the amino acid substitution p.Arg1386Gln. To our knowledge, this variant has not been reported in the literature. This variant is reported in 0.0098% of alleles in individuals of South Asian descent in gnomAD. At this time, the clinical significance of this variant is uncertain due to the absence of conclusive functional and genetic evidence.